The following is an entry in ClinVar:

ClinVar aggregate classification (germline): Conflicting classifications of pathogenicity. Review status: criteria provided, conflicting classifications (1 of 4 stars). 4 submissions from 4 submitters: Uncertain significance (3); Likely benign (1). Last evaluated 2024-11-12.

Conditions:
Cardiovascular phenotype. Identifiers: MedGen CN230736.
Dilated cardiomyopathy 1G (CMD1G). Identifiers: Orphanet 154, MedGen C1858763, MONDO:0011400, OMIM 604145.
Autosomal recessive limb-girdle muscular dystrophy type 2J (LGMDR10). Also called: MUSCULAR DYSTROPHY, LIMB-GIRDLE, AUTOSOMAL RECESSIVE 10; Limb-girdle muscular dystrophy, type 2J. Identifiers: Orphanet 140922, MedGen C1837342, MONDO:0012127, OMIM 608807.

Allele frequency attached by ClinVar (database versions not stated): gnomAD 0.00001.
gnomAD v4.1: 2 of 1,613,896 alleles (0.00012%); highest among the groups gnomAD compares: African/African-American, 0.0027%; no homozygotes.

Submissions (4):

GeneDx
Classification: Uncertain significance. Last evaluated: 2024-11-12. Review status: criteria provided, single submitter. Criteria: GeneDx Variant Classification Process June 2021. Collection method: clinical testing. Allele origin: germline. Affected: yes.
Comment: Not observed at significant frequency in large population cohorts (gnomAD); In silico analysis supports a deleterious effect on splicing; Has not been previously published as pathogenic or benign to our knowledge

Labcorp Genetics (formerly Invitae), Labcorp
Classification: Likely benign for Dilated cardiomyopathy 1G; Autosomal recessive limb-girdle muscular dystrophy type 2J. Last evaluated: 2023-06-27. Review status: criteria provided, single submitter. Criteria: Invitae Variant Classification Sherloc (09022015). Collection method: clinical testing. Allele origin: germline.

Ambry Genetics
Classification: Uncertain significance for Cardiovascular phenotype. Last evaluated: 2022-07-14. Review status: criteria provided, single submitter. Criteria: Ambry Variant Classification Scheme 2023. Collection method: clinical testing. Allele origin: germline.
Comment: The c.9330T>A variant (also known as p.V3110V), located in coding exon 38 of the TTN gene, results from a T to A substitution at nucleotide position 9330. This nucleotide substitution does not change the valine at codon 3110. This nucleotide position is not well conserved in available vertebrate species. In silico splice site analysis predicts that this alteration will result in the creation or strengthening of a novel splice donor site. Since supporting evidence is limited at this time, the clinical significance of this alteration remains unclear.

Eurofins Ntd Llc (ga)
Classification: Uncertain significance. Last evaluated: 2017-11-10. Review status: criteria provided, single submitter. Criteria: EGL Classification Definitions 2015. Collection method: clinical testing. Allele origin: germline. Observed: 1 variant allele, 1 heterozygote.

NM_001267550.2(TTN):c.9468T>A (p.Val3156=)

Gene: TTN (titin; minus strand). Cytogenetic location: 2q31.2.
Variant type: single nucleotide variant.
Coding change: c.9468T>A on transcript NM_001267550.2 (MANE Select); coding-DNA position 9468, T replaced by A.
Protein change: p.Val3156=; no amino-acid change (valine 3156 retained).
Molecular consequence: synonymous variant.
Genome position (GRCh38, 1-based): chr2:178,767,762, A>T on the plus strand (T>A on the coding strand, the complement: TTN is on the minus strand). VCF-style: chr2-178767762-A-T. GRCh37 (hg19) VCF-style: chr2-179632489-A-T.
Other names: c.9468T>A (NM_001267550.1); c.9468T>A, p.Val3156= (NM_001256850.1, NM_133378.4, NM_133379.5); c.9330T>A, p.Val3110= (NM_003319.4, NM_133432.3, NM_133437.4).
Identifiers: ClinVar variation 594640 (VCV000594640.15), dbSNP rs879192388, ClinGen allele CA61001247.